The following is an entry in ClinVar:

NM_020461.4(TUBGCP6):c.4218_4232dup (p.Ser1407_Ala1411dup)

Gene: TUBGCP6 (tubulin gamma complex component 6; minus strand). Cytogenetic location: 22q13.33.
Variant type: Duplication.
Coding change: c.4218_4232dup on transcript NM_020461.4 (MANE Select); coding-DNA positions 4218 to 4232, 15 bases duplicated (ATCGGCGGCGGAGGC).
Protein change: p.Ser1407_Ala1411dup.
Molecular consequence: inframe insertion.
Genome position (GRCh38, 1-based): chr22:50,219,727-50,219,741, GCCTCCGCCGCCGAT duplicated on the plus strand (ATCGGCGGCGGAGGC on the coding strand, the reverse complement: TUBGCP6 is on the minus strand); duplicating any 15 consecutive bases within chr22:50,219,727-50,219,750 gives the same sequence; the c. name uses the placement nearest the transcript's 3' end. VCF-style (leftmost placement, unchanged base first): chr22-50219726-A-AGCCTCCGCCGCCGAT. GRCh37 (hg19) VCF-style: chr22-50658155-A-AGCCTCCGCCGCCGAT.
Identifiers: ClinVar variation 1019448 (VCV001019448.6), dbSNP rs761225850, ClinGen allele CA10307611.

ClinVar aggregate classification (germline): Uncertain significance. Review status: criteria provided, multiple submitters, no conflicts (2 of 4 stars). 2 submissions from 2 submitters: Uncertain significance (2). Last evaluated 2022-08-21.

Submissions (2):

Labcorp Genetics (formerly Invitae), Labcorp
Classification: Uncertain significance. Last evaluated: 2022-08-21. Review status: criteria provided, single submitter. Criteria: Invitae Variant Classification Sherloc (09022015). Collection method: clinical testing. Allele origin: germline.
Comment: This variant, c.4218_4232dup, results in the insertion of 5 amino acid(s) of the TUBGCP6 protein (p.Ser1407_Ala1411dup), but otherwise preserves the integrity of the reading frame. This variant is present in population databases (rs772648092, gnomAD 0.006%). This variant has not been reported in the literature in individuals affected with TUBGCP6-related conditions. ClinVar contains an entry for this variant (Variation ID: 1019448). Experimental studies and prediction algorithms are not available or were not evaluated, and the functional significance of this variant is currently unknown. In summary, the available evidence is currently insufficient to determine the role of this variant in disease. Therefore, it has been classified as a Variant of Uncertain Significance.

GeneDx
Classification: Uncertain significance. Last evaluated: 2020-09-03. Review status: criteria provided, single submitter. Criteria: GeneDx Variant Classification Process June 2021. Collection method: clinical testing. Allele origin: germline. Affected: yes.
Comment: Not observed at a significant frequency in large population cohorts (Lek et al., 2016); In-frame insertion of 5 amino acids in a non-repeat region; Has not been previously published as pathogenic or benign to our knowledge